The following is an entry in ClinVar:

NM_178335.3(CCDC50):c.820C>T (p.Arg274Ter)

Gene: CCDC50 (coiled-coil domain containing 50; plus strand). Cytogenetic location: 3q28.
Variant type: single nucleotide variant.
Coding change: c.820C>T on transcript NM_178335.3 (MANE Select); coding-DNA position 820, C replaced by T.
Protein change: p.Arg274Ter; replaces arginine 274 with a stop codon.
Molecular consequence: nonsense. On other transcripts: intron variant (1).
Genome position (GRCh38, 1-based): chr3:191,375,433, C>T. VCF-style: chr3-191375433-C-T. GRCh37 (hg19) VCF-style: chr3-191093222-C-T.
Other names: c.449-4726C>T (NM_174908.4); short protein forms R274*.
Identifiers: ClinVar variation 3602187 (VCV003602187.4).

ClinVar aggregate classification (germline): Uncertain significance. Review status: criteria provided, multiple submitters, no conflicts (2 of 4 stars). 3 submissions from 3 submitters: Uncertain significance (3). Last evaluated 2025-05-02.

Conditions:
CCDC50-related disorder. Also called: CCDC50-related condition.

gnomAD v4.1: 109 of 1,613,640 alleles (0.0068%); highest among the groups gnomAD compares: East Asian, 0.018%; no homozygotes.

Submissions (3):

PreventionGenetics, part of Exact Sciences
Classification: Uncertain significance for CCDC50-related condition. Last evaluated: 2025-05-02. Review status: criteria provided, single submitter. Criteria: ACMG Guidelines, 2015. Collection method: clinical testing. Allele origin: germline.
Comment: The CCDC50 c.820C>T variant is predicted to result in premature protein termination (p.Arg274*). This variant was reported in heterozygous state in an individual with moderate hearing loss (Iwasa et al. 2016. PubMed ID: 27911912). This variant was also reported in several individuals unaffected by hearing loss (Internal data, PreventionGenetics). This variant is reported in 0.0040% of alleles in individuals of African descent in gnomAD.At this time, the clinical significance of this variant is uncertain due to the absence of conclusive functional and genetic evidence.

GeneDx
Classification: Uncertain significance. Last evaluated: 2024-07-31. Review status: criteria provided, single submitter. Criteria: GeneDx Variant Classification Process June 2021. Collection method: clinical testing. Allele origin: germline. Affected: yes.
Comment: Nonsense variant predicted to result in protein truncation or nonsense mediated decay in a gene or region of a gene for which loss of function is not a well-established mechanism of disease; This variant is associated with the following publications: (PMID: 27911912)

Labcorp Genetics (formerly Invitae), Labcorp
Classification: Uncertain significance. Last evaluated: 2024-05-22. Review status: criteria provided, single submitter. Criteria: Invitae Variant Classification Sherloc (09022015). Collection method: clinical testing. Allele origin: germline.
Comment: This sequence change creates a premature translational stop signal (p.Arg274*) in the CCDC50 gene. It is expected to result in an absent or disrupted protein product. However, the current clinical and genetic evidence is not sufficient to establish whether loss-of-function variants in CCDC50 cause disease. This variant is present in population databases (rs762982877, gnomAD 0.004%). This premature translational stop signal has been observed in individual(s) with deafness (PMID: 27911912). In summary, the available evidence is currently insufficient to determine the role of this variant in disease. Therefore, it has been classified as a Variant of Uncertain Significance.

Literature cited by the submitters: PubMed 27911912 (cited by Labcorp Genetics (formerly Invitae), Labcorp).